The following is an entry in ClinVar:

NM_000057.4(BLM):c.3106T>A (p.Cys1036Ser)

Gene: BLM (BLM RecQ like helicase; plus strand). Cytogenetic location: 15q26.1.
Variant type: single nucleotide variant.
Coding change: c.3106T>A on transcript NM_000057.4 (MANE Select); coding-DNA position 3106, T replaced by A.
Protein change: p.Cys1036Ser; replaces cysteine 1036 with serine.
Molecular consequence: missense variant.
Genome position (GRCh38, 1-based): chr15:90,794,253, T>A. VCF-style: chr15-90794253-T-A. GRCh37 (hg19) VCF-style: chr15-91337483-T-A.
Other names: c.3106T>A, p.Cys1036Ser (NM_001287246.2, NM_001287247.2); c.1981T>A, p.Cys661Ser (NM_001287248.2); short protein forms C1036S, C661S.
Identifiers: ClinVar variation 1718621 (VCV001718621.6), dbSNP rs2505525134, ClinGen allele CA393846846.

ClinVar aggregate classification (germline): Uncertain significance (1 of 4 stars; one submission).

Conditions:
Bloom syndrome (BLM). Also called: Bloom-Torre-Machacek syndrome. Identifiers: Orphanet 125, MedGen C0005859, MONDO:0008876, OMIM 210900.

Submission:

Labcorp Genetics (formerly Invitae), Labcorp
Classification: Uncertain significance for Bloom syndrome. Last evaluated: 2022-09-01. Review status: criteria provided, single submitter. Criteria: Invitae Variant Classification Sherloc (09022015). Collection method: clinical testing. Allele origin: germline.
Comment: This variant is not present in population databases (gnomAD no frequency). This variant has not been reported in the literature in individuals affected with BLM-related conditions. This sequence change replaces cysteine, which is neutral and slightly polar, with serine, which is neutral and polar, at codon 1036 of the BLM protein (p.Cys1036Ser). Algorithms developed to predict the effect of missense changes on protein structure and function are either unavailable or do not agree on the potential impact of this missense change (SIFT: "Deleterious"; PolyPhen-2: "Probably Damaging"; Align-GVGD: "Class C0"). In summary, the available evidence is currently insufficient to determine the role of this variant in disease. Therefore, it has been classified as a Variant of Uncertain Significance.